The following is an entry in ClinVar:

ClinVar aggregate classification (germline): Benign/Likely benign. Review status: criteria provided, multiple submitters, no conflicts (2 of 4 stars). 7 submissions from 7 submitters: Benign (5); Likely benign (2). Last evaluated 2026-09-01.

Conditions:
Ehlers-Danlos syndrome, musculocontractural type 2 (EDSMC2). Identifiers: Orphanet 2953, MedGen C3809845, MONDO:0014236, OMIM 615539.
Ehlers-Danlos syndrome (EDS). Identifiers: Orphanet 98249, MedGen C0013720, MONDO:0020066.

Allele frequency attached by ClinVar (database versions not stated): ExAC 0.00554; ESP Exome Variant Server 0.00615; gnomAD exomes 0.00805 and 0.00511; TOPMed 0.00450; gnomAD 0.00464 and 0.00484; 1000 Genomes Project 30x 0.00156; 1000 Genomes Project 0.00160.
gnomAD v4.1: 12,333 of 1,613,968 alleles (0.76%); highest among the groups gnomAD compares: Non-Finnish European, 0.95%; 65 homozygotes.

Submissions (7):

CeGaT Center for Human Genetics Tuebingen
Classification: Likely benign. Last evaluated: 2026-09-01. Review status: criteria provided, single submitter. Criteria: CeGaT Center For Human Genetics Tuebingen Variant Classification Criteria Version 2. Collection method: clinical testing. Allele origin: germline. Affected: yes. Observed: 37 variant alleles.
Comment: DSE: BP4, BP7, BS2

Labcorp Genetics (formerly Invitae), Labcorp
Classification: Benign for Ehlers-Danlos syndrome, musculocontractural type 2. Last evaluated: 2026-02-04. Review status: criteria provided, single submitter. Criteria: Invitae Variant Classification Sherloc (09022015). Collection method: clinical testing. Allele origin: germline.

Women's Health and Genetics/Laboratory Corporation of America, LabCorp
Classification: Benign. Last evaluated: 2025-01-23. Review status: criteria provided, single submitter. Criteria: LabCorp Variant Classification Summary - May 2015. Collection method: clinical testing. Allele origin: germline.

Blueprint Genetics
Classification: Likely benign. Last evaluated: 2024-11-15. Review status: criteria provided, single submitter. Criteria: ACMG Guidelines, 2015. Collection method: clinical testing. Allele origin: germline.

Mayo Clinic Laboratories, Mayo Clinic
Classification: Benign. Last evaluated: 2023-01-26. Review status: criteria provided, single submitter. Criteria: ACMG Guidelines, 2015. Collection method: clinical testing. Allele origin: germline. Observed: 64 variant alleles.
Comment: BS1, BS2, BP4, BP7

Genome Diagnostics Laboratory, The Hospital for Sick Children
Classification: Benign for Ehlers-Danlos syndrome. Last evaluated: 2022-07-11. Review status: criteria provided, single submitter. Criteria: ACMG Guidelines, 2015. Collection method: clinical testing. Allele origin: germline.

GeneDx
Classification: Benign. Last evaluated: 2016-11-04. Review status: criteria provided, single submitter. Criteria: GeneDx Variant Classification (06012015). Collection method: clinical testing. Allele origin: germline. Affected: yes.
Comment: This variant is considered likely benign or benign based on one or more of the following criteria: it is a conservative change, it occurs at a poorly conserved position in the protein, it is predicted to be benign by multiple in silico algorithms, and/or has population frequency not consistent with disease.

NM_013352.4(DSE):c.711G>C (p.Leu237=)

Gene: DSE (dermatan sulfate epimerase; plus strand). Cytogenetic location: 6q22.1.
Variant type: single nucleotide variant.
Coding change: c.711G>C on transcript NM_013352.4 (MANE Select); coding-DNA position 711, G replaced by C.
Protein change: p.Leu237=; no amino-acid change (leucine 237 retained).
Molecular consequence: synonymous variant. On other transcripts: 5 prime UTR variant (1), non-coding transcript variant (1), intron variant (2).
Genome position (GRCh38, 1-based): chr6:116,430,994, G>C. VCF-style: chr6-116430994-G-C. GRCh37 (hg19) VCF-style: chr6-116752157-G-C.
Other names: p.Leu237=; c.711G>C, p.Leu237= (NM_001080976.3, NM_001322937.2, NM_001322938.2 and 2 more transcripts); c.768G>C, p.Leu256= (NM_001322939.2); c.150G>C, p.Leu50= (NM_001322940.2, NM_001322941.2); c.-153G>C (NM_001374520.1); c.83+4167G>C (NM_001374521.1); c.670+4167G>C (NM_001322943.2).
Identifiers: ClinVar variation 384822 (VCV000384822.56), dbSNP rs140034597, ClinGen allele CA3969562.